The following is an entry in ClinVar:

NM_198253.3(TERT):c.1957C>A (p.Arg653Ser)

Gene: TERT (telomerase reverse transcriptase; minus strand). Cytogenetic location: 5p15.33.
Variant type: single nucleotide variant.
Coding change: c.1957C>A on transcript NM_198253.3 (MANE Select); coding-DNA position 1957, C replaced by A.
Protein change: p.Arg653Ser; replaces arginine 653 with serine.
Molecular consequence: missense variant. On other transcripts: non-coding transcript variant (2).
Genome position (GRCh38, 1-based): chr5:1,279,464, G>T on the plus strand (C>A on the coding strand, the complement: TERT is on the minus strand). VCF-style: chr5-1279464-G-T. GRCh37 (hg19) VCF-style: chr5-1279579-G-T.
Other names: c.1957C>A, p.Arg653Ser (NM_001193376.3, NM_003219.1); short protein forms R653S.
Identifiers: ClinVar variation 1713811 (VCV001713811.6), dbSNP rs372272356, ClinGen allele CA359080880.
Genomic context (GRCh38, chr5:1,279,464, plus strand): 5'-GGCGCCGCGCCCGCTCGTAGTTGAGCACGCTGAACAGTGCCTTCACCCTCGAGGTGAGAC[G>T]CTCGGCCTGGCGGGGACAGCATGGGAGACAGTCAGGAAAGTGGATCCGGCCAAGTGCCCA-3'
Protein context (NP_937983.2, residues 643-663): RTFRREKRAE[Arg653Ser]LTSRVKALFS

ClinVar aggregate classification (germline): Uncertain significance (1 of 4 stars; one submission).

Conditions:
Idiopathic Pulmonary Fibrosis. Also called: Idiopathic fibrosing alveolitis, chronic form; idiopathic fibrosing alveolitis. Identifiers: Orphanet 2032, MedGen C1800706, MeSH D054990, MONDO:0800504.
Dyskeratosis congenita, autosomal dominant 2. Identifiers: MedGen C3151443, MONDO:0013521, OMIM 613989.

Submission:

Labcorp Genetics (formerly Invitae), Labcorp
Classification: Uncertain significance for Dyskeratosis congenita, autosomal dominant 2; Idiopathic Pulmonary Fibrosis. Last evaluated: 2022-07-25. Review status: criteria provided, single submitter. Criteria: Invitae Variant Classification Sherloc (09022015). Collection method: clinical testing. Allele origin: germline.
Comment: In summary, the available evidence is currently insufficient to determine the role of this variant in disease. Therefore, it has been classified as a Variant of Uncertain Significance. Algorithms developed to predict the effect of missense changes on protein structure and function (SIFT, PolyPhen-2, Align-GVGD) all suggest that this variant is likely to be tolerated. This variant has not been reported in the literature in individuals affected with TERT-related conditions. This variant is not present in population databases (gnomAD no frequency). This sequence change replaces arginine, which is basic and polar, with serine, which is neutral and polar, at codon 653 of the TERT protein (p.Arg653Ser).